The following is an entry in ClinVar:

NM_001083962.2(TCF4):c.550-190C>T

Gene: TCF4 (transcription factor 4; minus strand). Cytogenetic location: 18q21.2.
Variant type: single nucleotide variant.
Coding change: c.550-190C>T on transcript NM_001083962.2 (MANE Select); 190 bases into the intron before coding-DNA position 550, C replaced by T.
Molecular consequence: intron variant.
Genome position (GRCh38, 1-based): chr18:55,279,846, G>A on the plus strand (C>T on the coding strand, the complement: TCF4 is on the minus strand). VCF-style: chr18-55279846-G-A. GRCh37 (hg19) VCF-style: chr18-52947077-G-A.
Other names: c.856-190C>T (NM_001243226.3); c.475-190C>T (NM_001369584.1, NM_001369576.1, NM_001369585.1 and 3 more transcripts); c.478-190C>T (NM_001369577.1, NM_001369582.1, NM_001243227.2 and 9 more transcripts); c.550-190C>T (NM_001369571.1, NM_001369567.1, NM_001369572.1 and 4 more transcripts); c.550-172C>T (NM_001243228.2); c.544-190C>T (NM_001243230.2); c.547-190C>T (NM_001369569.1, NM_001369573.1, NM_001369570.1); c.424-190C>T (NM_001243231.2, NM_001348211.2); and 4 more.
Identifiers: ClinVar variation 677002 (VCV000677002.2), dbSNP rs1787791, ClinGen allele CA14603912.

ClinVar aggregate classification (germline): Benign. Review status: criteria provided, multiple submitters, no conflicts (2 of 4 stars). 2 submissions from 2 submitters: Benign (2). Last evaluated 2018-06-14.

Allele frequency attached by ClinVar (database versions not stated): gnomAD 0.03794 and 0.04038; TOPMed 0.04260; 1000 Genomes Project 0.04633; 1000 Genomes Project 30x 0.04809.
gnomAD v4.1: 5,711 of 152,190 alleles (3.8%); highest among the groups gnomAD compares: African/African-American, 13%; 364 homozygotes.

Submissions (2):

GeneDx
Classification: Benign. Last evaluated: 2018-06-14. Review status: criteria provided, single submitter. Criteria: GeneDx Variant Classification (06012015). Collection method: clinical testing. Allele origin: germline. Affected: yes.
Comment: This variant is considered likely benign or benign based on one or more of the following criteria: it is a conservative change, it occurs at a poorly conserved position in the protein, it is predicted to be benign by multiple in silico algorithms, and/or has population frequency not consistent with disease.

Breakthrough Genomics
Classification: Benign. Review status: criteria provided, single submitter. Criteria: ACMG Guidelines, 2015. Collection method: not provided. Allele origin: germline. Inheritance: Autosomal dominant inheritance. Affected: yes.